The following is an entry in ClinVar:

ClinVar aggregate classification (germline): Likely benign. Review status: criteria provided, multiple submitters, no conflicts (2 of 4 stars). 6 submissions from 6 submitters: Likely benign (5). 1 of the submissions does not count toward it. Last evaluated 2026-02-01.

Conditions:
SZT2-related disorder. Also called: SZT2-related condition.
Inborn genetic diseases. Identifiers: MedGen C0950123, MeSH D030342.
Developmental and epileptic encephalopathy, 18 (DEE18). Also called: Early infantile epileptic encephalopathy 18. Identifiers: Orphanet 369894, MedGen C3809624, MONDO:0014201, OMIM 615476.

Allele frequency attached by ClinVar (database versions not stated): gnomAD exomes 0.00005 and 0.00013; TOPMed 0.00005; ExAC 0.00012; gnomAD 0.00013 and 0.00014.
gnomAD v4.1: 196 of 1,581,038 alleles (0.012%); highest among the groups gnomAD compares: Non-Finnish European, 0.016%; no homozygotes.

Submissions (6):

CeGaT Center for Human Genetics Tuebingen
Classification: Likely benign. Last evaluated: 2026-02-01. Review status: criteria provided, single submitter. Criteria: CeGaT Center For Human Genetics Tuebingen Variant Classification Criteria Version 2. Collection method: clinical testing. Allele origin: germline. Affected: yes. Observed: 4 variant alleles.
Comment: SZT2: BP4, BP7

Labcorp Genetics (formerly Invitae), Labcorp
Classification: Likely benign. Last evaluated: 2026-01-15. Review status: criteria provided, single submitter. Criteria: Invitae Variant Classification Sherloc (09022015). Collection method: clinical testing. Allele origin: germline.

Blueprint Genetics
Classification: Likely benign. Last evaluated: 2024-10-18. Review status: criteria provided, single submitter. Criteria: ACMG Guidelines, 2015. Collection method: clinical testing. Allele origin: germline.

Genome-Nilou Lab
Classification: Likely benign for Developmental and epileptic encephalopathy, 18. Last evaluated: 2023-04-11. Review status: criteria provided, single submitter. Criteria: ACMG Guidelines, 2015. Collection method: clinical testing. Allele origin: germline. Affected: no.

Ambry Genetics
Classification: Likely benign for Inborn genetic diseases. Last evaluated: 2016-05-19. Review status: criteria provided, single submitter. Criteria: Ambry Variant Classification Scheme 2023. Collection method: clinical testing. Allele origin: germline.

PreventionGenetics, part of Exact Sciences
Classification: Likely benign for SZT2-related condition. Last evaluated: 2024-09-10. Review status: no assertion criteria provided. Collection method: clinical testing. Allele origin: germline. Not counted in ClinVar's aggregate classification.
Comment: This variant is classified as likely benign based on ACMG/AMP sequence variant interpretation guidelines (Richards et al. 2015 PMID: 25741868, with internal and published modifications).

NM_001365999.1(SZT2):c.2034C>T (p.His678=)

Gene: SZT2 (SZT2 subunit of KICSTOR complex; plus strand). Cytogenetic location: 1p34.2.
Variant type: single nucleotide variant.
Coding change: c.2034C>T on transcript NM_001365999.1 (MANE Select); coding-DNA position 2034, C replaced by T.
Protein change: p.His678=; no amino-acid change (histidine 678 retained).
Molecular consequence: synonymous variant.
Genome position (GRCh38, 1-based): chr1:43,422,880, C>T. VCF-style: chr1-43422880-C-T. GRCh37 (hg19) VCF-style: chr1-43888551-C-T.
Other names: c.2034C>T, p.His678= (NM_015284.4).
Identifiers: ClinVar variation 587914 (VCV000587914.49), dbSNP rs201529142, ClinGen allele CA808589.
Genomic context (GRCh38, chr1:43,422,880, plus strand): 5'-GGCCCCATGCATGGTTCTTCGCCTGGGTTTTCCCATTGGCACACCAGCACCGGCCCGGCA[C>T]AAGGTAAGCTGGGCCCTGACTGACTCTGACCAAGGAGCCCTAGGGTGTAGGATAGCTCCC-3'
Protein context (NP_001352928.1, residues 668-688): FPIGTPAPAR[His678=]KIVSGLREEI